The following is an entry in ClinVar:

ClinVar aggregate classification (germline): Uncertain significance. Review status: criteria provided, multiple submitters, no conflicts (2 of 4 stars). 2 submissions from 2 submitters: Uncertain significance (2). Last evaluated 2022-10-31.

Conditions:
Amyotrophic lateral sclerosis type 4 (ALS4). Also called: AMYOTROPHIC LATERAL SCLEROSIS 4, JUVENILE; NEURONOPATHY, DISTAL HEREDITARY MOTOR, WITH PYRAMIDAL FEATURES. Identifiers: Orphanet 357043, MedGen C1865409, MONDO:0011223, OMIM 602433.
Spinocerebellar ataxia, autosomal recessive, with axonal neuropathy 2 (SCAN2). Also called: ATAXIA-OCULOMOTOR APRAXIA 2; Ataxia-ocular apraxia-2; Ataxia with Oculomotor Apraxia Type 2; Ataxia with Oculomotor Apraxia. Identifiers: Orphanet 64753, MedGen C1853761, MONDO:0018996, OMIM 606002.

Allele frequency attached by ClinVar (database versions not stated): gnomAD 0.00001; TOPMed 0.00001.
gnomAD v4.1: 4 of 1,614,006 alleles (0.00025%); highest among the groups gnomAD compares: Admixed American, 0.0017%; no homozygotes.

Submissions (2):

Revvity Omics, Revvity
Classification: Uncertain significance. Last evaluated: 2022-10-31. Review status: criteria provided, single submitter. Criteria: ACMG Guidelines, 2015. Collection method: clinical testing. Allele origin: germline.

Labcorp Genetics (formerly Invitae), Labcorp
Classification: Uncertain significance for Amyotrophic lateral sclerosis type 4; Spinocerebellar ataxia, autosomal recessive, with axonal neuropathy 2. Last evaluated: 2020-01-27. Review status: criteria provided, single submitter. Criteria: Invitae Variant Classification Sherloc (09022015). Collection method: clinical testing. Allele origin: germline.
Comment: In summary, the available evidence is currently insufficient to determine the role of this variant in disease. Therefore, it has been classified as a Variant of Uncertain Significance. Algorithms developed to predict the effect of missense changes on protein structure and function do not agree on the potential impact of this missense change (SIFT: "Deleterious"; PolyPhen-2: "Probably Damaging"; Align-GVGD: "Class C0"). This variant has not been reported in the literature in individuals with SETX-related disease. This variant is not present in population databases (ExAC no frequency). This sequence change replaces arginine with serine at codon 2471 of the SETX protein (p.Arg2471Ser). The arginine residue is moderately conserved and there is a moderate physicochemical difference between arginine and serine.

NM_015046.7(SETX):c.7413A>T (p.Arg2471Ser)

Gene: SETX (senataxin; minus strand). Cytogenetic location: 9q34.13.
Variant type: single nucleotide variant.
Coding change: c.7413A>T on transcript NM_015046.7 (MANE Select); coding-DNA position 7413, A replaced by T.
Protein change: p.Arg2471Ser; replaces arginine 2471 with serine.
Molecular consequence: missense variant.
Genome position (GRCh38, 1-based): chr9:132,264,860, T>A on the plus strand (A>T on the coding strand, the complement: SETX is on the minus strand). VCF-style: chr9-132264860-T-A. GRCh37 (hg19) VCF-style: chr9-135140247-T-A.
Other names: c.7413A>T, p.Arg2471Ser (NM_001351527.2); c.7500A>T, p.Arg2500Ser (NM_001351528.2); short protein forms R2471S, R2500S.
Identifiers: ClinVar variation 536389 (VCV000536389.11), dbSNP rs1382990384, ClinGen allele CA375325625.